The following is an entry in ClinVar:

NM_001999.4(FBN2):c.629-19T>C

Gene: FBN2 (fibrillin 2; minus strand). Cytogenetic location: 5q23.3.
Variant type: single nucleotide variant.
Coding change: c.629-19T>C on transcript NM_001999.4 (MANE Select); 19 bases into the intron before coding-DNA position 629, T replaced by C.
Molecular consequence: intron variant.
Genome position (GRCh38, 1-based): chr5:128,464,940, A>G on the plus strand (T>C on the coding strand, the complement: FBN2 is on the minus strand). VCF-style: chr5-128464940-A-G. GRCh37 (hg19) VCF-style: chr5-127800633-A-G.
Identifiers: ClinVar variation 513322 (VCV000513322.9), dbSNP rs374428361, ClinGen allele CA3396036.
Genomic context (GRCh38, chr5:128,464,940, plus strand): 5'-TCTGGTTGTTGACCTGAGTGAAACACGGGCCTGTCCTGTAATCTGGAATGTGGGAGAAGA[A>G]AGAAAGACAGGTTTTATGATCATATACTAATCTTATACCAGTGCCTCCAAATGCATAAAA-3'

ClinVar aggregate classification (germline): Likely benign. Review status: criteria provided, multiple submitters, no conflicts (2 of 4 stars). 2 submissions from 2 submitters: Likely benign (2). Last evaluated 2025-10-26.

Conditions:
Congenital contractural arachnodactyly (CCA). Also called: BEALS SYNDROME; Arthrogryposis, distal, type 9; Beals-Hecht syndrome. Identifiers: Orphanet 115, MedGen C0220668, MONDO:0007363, OMIM 121050.

Allele frequency attached by ClinVar (database versions not stated): gnomAD 0.00003; gnomAD exomes 0.00004.
gnomAD v4.1: 58 of 1,612,076 alleles (0.0036%); highest among the groups gnomAD compares: South Asian, 0.014%; 1 homozygote.

Submissions (2):

Labcorp Genetics (formerly Invitae), Labcorp
Classification: Likely benign for Congenital contractural arachnodactyly. Last evaluated: 2025-10-26. Review status: criteria provided, single submitter. Criteria: Invitae Variant Classification Sherloc (09022015). Collection method: clinical testing. Allele origin: germline.

GeneDx
Classification: Likely benign. Last evaluated: 2017-11-14. Review status: criteria provided, single submitter. Criteria: GeneDx Variant Classification (06012015). Collection method: clinical testing. Allele origin: germline. Affected: yes.
Comment: This variant is considered likely benign or benign based on one or more of the following criteria: it is a conservative change, it occurs at a poorly conserved position in the protein, it is predicted to be benign by multiple in silico algorithms, and/or has population frequency not consistent with disease.